The following is an entry in ClinVar:

ClinVar aggregate classification (germline): Benign/Likely benign. Review status: criteria provided, multiple submitters, no conflicts (2 of 4 stars). 4 submissions from 4 submitters: Benign (2); Likely benign (2). Last evaluated 2026-02-04.

Conditions:
Beta-D-mannosidosis (MANSB). Also called: LYSOSOMAL BETA-MANNOSIDASE DEFICIENCY; Beta-Mannosidosis; MANNOSIDOSIS, BETA A, LYSOSOMAL; BETA-MANNOSIDASE DEFICIENCY. Identifiers: Orphanet 118, MedGen C4048196, MONDO:0009562, OMIM 248510.

Allele frequency attached by ClinVar (database versions not stated): TOPMed 0.01211; gnomAD 0.01154; 1000 Genomes Project 30x 0.01234; ESP Exome Variant Server 0.01299; 1000 Genomes Project 0.01158.
gnomAD v4.1: 3,164 of 1,614,130 alleles (0.2%); highest among the groups gnomAD compares: African/African-American, 3.8%; 57 homozygotes.

Submissions (4):

Labcorp Genetics (formerly Invitae), Labcorp
Classification: Benign for Beta-D-mannosidosis. Last evaluated: 2026-02-04. Review status: criteria provided, single submitter. Criteria: Invitae Variant Classification Sherloc (09022015). Collection method: clinical testing. Allele origin: germline.

GeneDx
Classification: Likely benign. Last evaluated: 2018-10-05. Review status: criteria provided, single submitter. Criteria: GeneDx Variant Classification Process June 2021. Collection method: clinical testing. Allele origin: germline. Affected: yes.

Illumina Laboratory Services, Illumina
Classification: Benign for Beta-D-mannosidosis. Last evaluated: 2018-01-12. Review status: criteria provided, single submitter. Criteria: ICSL Variant Classification Criteria 13 December 2019. Collection method: clinical testing. Allele origin: germline.
Comment: This variant was observed in the ICSL laboratory as part of a predisposition screen in an ostensibly healthy population. It had not been previously curated by ICSL or reported in the Human Gene Mutation Database (HGMD: prior to June 1st, 2018), and was therefore a candidate for classification through an automated scoring system. Utilizing variant allele frequency, disease prevalence and penetrance estimates, and inheritance mode, an automated score was calculated to assess if this variant is too frequent to cause the disease. Based on the score and internal cut-off values, a variant classified as benign is not then subjected to further curation. The score for this variant resulted in a classification of benign for this disease.

Breakthrough Genomics
Classification: Likely benign. Review status: criteria provided, single submitter. Criteria: ACMG Guidelines, 2015. Collection method: not provided. Allele origin: germline. Inheritance: Autosomal recessive inheritance. Affected: yes.

NM_005908.4(MANBA):c.2351C>G (p.Pro784Arg)

Gene: MANBA (mannosidase beta; minus strand). Cytogenetic location: 4q24.
Variant type: single nucleotide variant.
Coding change: c.2351C>G on transcript NM_005908.4 (MANE Select); coding-DNA position 2351, C replaced by G.
Protein change: p.Pro784Arg; replaces proline 784 with arginine.
Molecular consequence: missense variant.
Genome position (GRCh38, 1-based): chr4:102,634,852, G>C on the plus strand (C>G on the coding strand, the complement: MANBA is on the minus strand). VCF-style: chr4-102634852-G-C. GRCh37 (hg19) VCF-style: chr4-103556009-G-C.
Other names: short protein forms P784R.
Identifiers: ClinVar variation 347081 (VCV000347081.15), dbSNP rs116340501, ClinGen allele CA3026647.
Genomic context (GRCh38, chr4:102,634,852, plus strand): 5'-ATCTGCGCCTTGCAGAGCCCCACGGCCTCCTTCGGTGAGGACAAGAAGTGGTAGTTGGTC[G>C]GGCTCAGGAGTTCATGGTCAGCTGAAAGGTAAAAGGAAACCACACAGCTTTCCCGTGTGC-3'
Protein context (NP_005899.3, residues 774-794): YLSADHELLS[Pro784Arg]TNYHFLSSPK